The following is an entry in ClinVar:

ClinVar aggregate classification (germline): Uncertain significance (1 of 4 stars; one submission).

Conditions:
Hypertrophic cardiomyopathy. Also called: HYPERTROPHIC MYOCARDIOPATHY. Identifiers: Orphanet 217569, MedGen C0007194, MeSH D002312, MONDO:0005045, HP:0001639.

Submission:

Labcorp Genetics (formerly Invitae), Labcorp
Classification: Uncertain significance for Hypertrophic cardiomyopathy. Last evaluated: 2025-08-29. Review status: criteria provided, single submitter. Criteria: Invitae Variant Classification Sherloc (09022015). Collection method: clinical testing. Allele origin: germline.
Comment: This variant, c.4289_4291del, results in the deletion of 1 amino acid(s) of the MYH7 protein (p.Val1430del), but otherwise preserves the integrity of the reading frame. This variant is not present in population databases (gnomAD no frequency). This variant has not been reported in the literature in individuals affected with MYH7-related conditions. Experimental studies and prediction algorithms are not available or were not evaluated, and the functional significance of this variant is currently unknown. In summary, the available evidence is currently insufficient to determine the role of this variant in disease. Therefore, it has been classified as a Variant of Uncertain Significance.

NM_000257.4(MYH7):c.4286TGG[1] (p.Val1430del)

Genes: MHRT (myosin heavy chain associated RNA transcript; plus strand), MYH7 (myosin heavy chain 7; minus strand). Cytogenetic location: 14q11.2.
Variant type: Microsatellite.
Coding change: c.4286TGG[1] on transcript NM_000257.4 (MANE Select); one copy of the 3-base unit TGG starting at c.4286; the reference has two copies in a row; one copy, 3 bases deleted.
Protein change: p.Val1430del; deletes valine 1430.
Molecular consequence: inframe deletion. On other transcripts: non-coding transcript variant (1).
Genome position (GRCh38, 1-based): chr14:23,417,565-23,417,567, CCA deleted on the plus strand (TGG on the coding strand, the reverse complement: MYH7 is on the minus strand); deleting any 3 consecutive bases within chr14:23,417,565-23,417,570 gives the same sequence; the position shown is the placement nearest the transcript's 3' end. VCF-style (leftmost placement, unchanged base first): chr14-23417564-TCCA-T. GRCh37 (hg19) VCF-style: chr14-23886773-TCCA-T.
Other names: short protein forms V1430del.
Identifiers: ClinVar variation 524986 (VCV000524986.9), dbSNP rs1555336747, ClinGen allele CA658798184.
Genomic context (GRCh38, chr14:23,417,564, plus strand): 5'-TTGTCGAAGTTCCTCTGCTTCTTGTCCAGGGCTGCAGCAGCAGCATTGGAGCGCTCTACG[TCCA>T]CCATCAAGTCCTCGATCTCATTCTGTAGCCGGTGCTTGGTCTTCTCCAGCGAGGAGCACT-3'